The following is an entry in ClinVar:

ClinVar aggregate classification (germline): Uncertain significance (1 of 4 stars; one submission).

Conditions:
Inborn genetic diseases. Identifiers: MedGen C0950123, MeSH D030342.

gnomAD v4.1: 4 of 1,613,704 alleles (0.00025%); highest among the groups gnomAD compares: Non-Finnish European, 0.00034%; no homozygotes.

Submission:

Ambry Genetics
Classification: Uncertain significance for Inborn genetic diseases. Last evaluated: 2026-07-11. Review status: criteria provided, single submitter. Criteria: Ambry Variant Classification Scheme 2023. Collection method: clinical testing. Allele origin: germline.
Comment: The p.A166G variant (also known as c.497C>G), located in coding exon 1 of the FANCM gene, results from a C to G substitution at nucleotide position 497. The alanine at codon 166 is replaced by glycine, an amino acid with similar properties. This amino acid position is conserved. In addition, this alteration is predicted to be tolerated by in silico analysis. Based on the available evidence, the clinical significance of this variant remains unclear.

NM_020937.4(FANCM):c.497C>G (p.Ala166Gly)

Gene: FANCM (FA complementation group M; plus strand). Cytogenetic location: 14q21.2.
Variant type: single nucleotide variant.
Coding change: c.497C>G on transcript NM_020937.4 (MANE Select); coding-DNA position 497, C replaced by G.
Protein change: p.Ala166Gly; replaces alanine 166 with glycine.
Molecular consequence: missense variant.
Genome position (GRCh38, 1-based): chr14:45,136,528, C>G. VCF-style: chr14-45136528-C-G. GRCh37 (hg19) VCF-style: chr14-45605731-C-G.
Other names: c.497C>G, p.Ala166Gly (NM_001308133.2, NM_001308134.2); short protein forms A166G.
Identifiers: ClinVar variation 5036606 (VCV005036606.1).